The following is an entry in ClinVar:

ClinVar aggregate classification (germline): Benign/Likely benign. Review status: criteria provided, multiple submitters, no conflicts (2 of 4 stars). 4 submissions from 4 submitters: Benign (1); Likely benign (3). Last evaluated 2025-10-13.

Conditions:
3-methylglutaconic aciduria with deafness, encephalopathy, and Leigh-like syndrome (MEGDEL). Also called: 3-METHYLGLUTACONIC ACIDURIA, TYPE VI; SERAC1 Deficiency; MEGDEL syndrome. Identifiers: Orphanet 352328, MedGen C4040739, MONDO:0013875, OMIM 614739.

Submissions (4):

Labcorp Genetics (formerly Invitae), Labcorp
Classification: Benign for 3-methylglutaconic aciduria with deafness, encephalopathy, and Leigh-like syndrome. Last evaluated: 2025-10-13. Review status: criteria provided, single submitter. Criteria: Invitae Variant Classification Sherloc (09022015). Collection method: clinical testing. Allele origin: germline.

Blueprint Genetics
Classification: Likely benign. Last evaluated: 2024-10-04. Review status: criteria provided, single submitter. Criteria: ACMG Guidelines, 2015. Collection method: clinical testing. Allele origin: germline.

Genome-Nilou Lab
Classification: Likely benign for 3-methylglutaconic aciduria with deafness, encephalopathy, and Leigh-like syndrome. Last evaluated: 2022-03-15. Review status: criteria provided, single submitter. Criteria: ACMG Guidelines, 2015. Collection method: clinical testing. Allele origin: germline. Affected: no.

GeneDx
Classification: Likely benign. Last evaluated: 2017-06-20. Review status: criteria provided, single submitter. Criteria: GeneDx Variant Classification (06012015). Collection method: clinical testing. Allele origin: germline. Affected: yes.
Comment: This variant is considered likely benign or benign based on one or more of the following criteria: it is a conservative change, it occurs at a poorly conserved position in the protein, it is predicted to be benign by multiple in silico algorithms, and/or has population frequency not consistent with disease.

NM_032861.4(SERAC1):c.1309-18_1309-17del

Gene: SERAC1 (serine active site containing 1; minus strand). Cytogenetic location: 6q25.3.
Variant type: Microsatellite.
Coding change: c.1309-18_1309-17del on transcript NM_032861.4 (MANE Select); 18 bases into the intron before coding-DNA position 1309 through 17 bases into the intron before coding-DNA position 1309, 2 bases deleted (AT; older notation c.1309-18_1309-17delAT).
Molecular consequence: intron variant.
Genome position (GRCh38, 1-based): chr6:158,117,838-158,117,839, AT deleted on the plus strand (AT on the coding strand, the reverse complement: SERAC1 is on the minus strand); deleting any 2 consecutive bases within chr6:158,117,838-158,117,841 gives the same sequence; the c. name uses the placement nearest the transcript's 3' end. VCF-style (leftmost placement, unchanged base first): chr6-158117837-CAT-C. GRCh37 (hg19) VCF-style: chr6-158538869-CAT-C.
Other names: c.1309-18_1309-17delAT (NM_032861.3).
Identifiers: ClinVar variation 510068 (VCV000510068.12), dbSNP rs780332152, ClinGen allele CA4071127.